The following is an entry in ClinVar:

NM_024577.4(SH3TC2):c.1529A>C (p.Tyr510Ser)

Gene: SH3TC2 (SH3 domain and tetratricopeptide repeats 2; minus strand). Cytogenetic location: 5q32.
Variant type: single nucleotide variant.
Coding change: c.1529A>C on transcript NM_024577.4 (MANE Select); coding-DNA position 1529, A replaced by C.
Protein change: p.Tyr510Ser; replaces tyrosine 510 with serine.
Molecular consequence: missense variant.
Genome position (GRCh38, 1-based): chr5:149,028,203, T>G on the plus strand (A>C on the coding strand, the complement: SH3TC2 is on the minus strand). VCF-style: chr5-149028203-T-G. GRCh37 (hg19) VCF-style: chr5-148407766-T-G.
Other names: short protein forms Y510S.
Identifiers: ClinVar variation 1376998 (VCV001376998.4), dbSNP rs757294130, ClinGen allele CA3499159.

ClinVar aggregate classification (germline): Uncertain significance (1 of 4 stars; one submission).

Conditions:
Charcot-Marie-Tooth disease type 4. Also called: Charcot-Marie-Tooth, Type 4; Charcot-Marie-Tooth disease, type IV. Identifiers: Orphanet 64749, MedGen C4082197, MONDO:0018995.

Allele frequency attached by ClinVar (database versions not stated): ExAC 0.00002; gnomAD exomes 0.00002; gnomAD 0.00005 and 0.00006; TOPMed 0.00009.
gnomAD v4.1: 19 of 1,613,902 alleles (0.0012%); highest among the groups gnomAD compares: Admixed American, 0.025%; no homozygotes.

Submission:

Labcorp Genetics (formerly Invitae), Labcorp
Classification: Uncertain significance for Charcot-Marie-Tooth disease type 4. Last evaluated: 2024-10-29. Review status: criteria provided, single submitter. Criteria: Invitae Variant Classification Sherloc (09022015). Collection method: clinical testing. Allele origin: germline.
Comment: This sequence change replaces tyrosine, which is neutral and polar, with serine, which is neutral and polar, at codon 510 of the SH3TC2 protein (p.Tyr510Ser). This variant is present in population databases (rs757294130, gnomAD 0.01%). This variant has not been reported in the literature in individuals affected with SH3TC2-related conditions. ClinVar contains an entry for this variant (Variation ID: 1376998). Invitae Evidence Modeling of protein sequence and biophysical properties (such as structural, functional, and spatial information, amino acid conservation, physicochemical variation, residue mobility, and thermodynamic stability) has been performed for this missense variant. However, the output from this modeling did not meet the statistical confidence thresholds required to predict the impact of this variant on SH3TC2 protein function. In summary, the available evidence is currently insufficient to determine the role of this variant in disease. Therefore, it has been classified as a Variant of Uncertain Significance.